The following is an entry in ClinVar:

NM_016030.6(TRAPPC12):c.850C>T (p.Gln284Ter)

Gene: TRAPPC12 (trafficking protein particle complex subunit 12; plus strand). Cytogenetic location: 2p25.3.
Variant type: single nucleotide variant.
Coding change: c.850C>T on transcript NM_016030.6 (MANE Select); coding-DNA position 850, C replaced by T.
Protein change: p.Gln284Ter; replaces glutamine 284 with a stop codon.
Molecular consequence: nonsense.
Genome position (GRCh38, 1-based): chr2:3,388,473, C>T. VCF-style: chr2-3388473-C-T. GRCh37 (hg19) VCF-style: chr2-3392244-C-T.
Other names: c.850C>T, p.Gln284Ter (NM_001321102.2); short protein forms Q284*.
Identifiers: ClinVar variation 2636361 (VCV002636361.1), dbSNP rs779358370, ClinGen allele CA1515201.

ClinVar aggregate classification (germline): Likely pathogenic (1 of 4 stars; one submission).

Conditions:
TRAPPC12-related disorder. Also called: TRAPPC12-related condition.

Allele frequency attached by ClinVar (database versions not stated): TOPMed below 0.00001.

Submission:

PreventionGenetics, part of Exact Sciences
Classification: Likely pathogenic for TRAPPC12-related condition. Last evaluated: 2022-09-02. Review status: criteria provided, single submitter. Criteria: ACMG Guidelines, 2015. Collection method: clinical testing. Allele origin: germline.
Comment: The TRAPPC12 c.850C>T variant is predicted to result in premature protein termination (p.Gln284*). To our knowledge, this variant has not been reported in the literature or in a large population database, indicating this variant is rare. Nonsense variants in TRAPPC12 are expected to be pathogenic. This variant is interpreted as likely pathogenic.